The following is an entry in ClinVar:

ClinVar aggregate classification (germline): Uncertain significance (1 of 4 stars; one submission).

Submission:

GeneDx
Classification: Uncertain significance. Last evaluated: 2024-10-31. Review status: criteria provided, single submitter. Criteria: GeneDx Variant Classification Process June 2021. Collection method: clinical testing. Allele origin: germline. Affected: yes.
Comment: Not observed at significant frequency in large population cohorts (gnomAD); In silico analysis supports that this missense variant has a deleterious effect on protein structure/function; Has not been previously published as pathogenic or benign to our knowledge

NM_002911.4(UPF1):c.791A>T (p.Lys264Met)

Gene: UPF1 (UPF1 RNA helicase and ATPase; plus strand). Cytogenetic location: 19p13.11.
Variant type: single nucleotide variant.
Coding change: c.791A>T on transcript NM_002911.4 (MANE Select); coding-DNA position 791, A replaced by T.
Protein change: p.Lys264Met; replaces lysine 264 with methionine.
Molecular consequence: missense variant.
Genome position (GRCh38, 1-based): chr19:18,850,849, A>T. VCF-style: chr19-18850849-A-T. GRCh37 (hg19) VCF-style: chr19-18961658-A-T.
Other names: c.791A>T, p.Lys264Met (NM_001297549.2); short protein forms K264M.
Identifiers: ClinVar variation 3897498 (VCV003897498.1).
Genomic context (GRCh38, chr19:18,850,849, plus strand): 5'-AGATCCCCTCCGAGCAGGAGCAGCTGCGGGCACGCCAGATCACGGCACAGCAGATCAACA[A>T]GCTGGAGGAGCTGTGGAAGGTGGGGCTGCCCAGCGGGCCGACCCGTGCCTTCGTGTGGTT-3'
Protein context (NP_002902.2, residues 254-274): ARQITAQQIN[Lys264Met]LEELWKENPS